The following is an entry in ClinVar:

NM_017617.5(NOTCH1):c.4014+75G>A

Gene: NOTCH1 (notch receptor 1; minus strand). Cytogenetic location: 9q34.3.
Variant type: single nucleotide variant.
Coding change: c.4014+75G>A on transcript NM_017617.5 (MANE Select); 75 bases into the intron after coding-DNA position 4014, G replaced by A.
Molecular consequence: intron variant.
Genome position (GRCh38, 1-based): chr9:136,506,452, C>T on the plus strand (G>A on the coding strand, the complement: NOTCH1 is on the minus strand). VCF-style: chr9-136506452-C-T. GRCh37 (hg19) VCF-style: chr9-139400904-C-T.
Identifiers: ClinVar variation 678564 (VCV000678564.2), dbSNP rs4880098, ClinGen allele CA13004104.

ClinVar aggregate classification (germline): Benign. Review status: criteria provided, multiple submitters, no conflicts (2 of 4 stars). 2 submissions from 2 submitters: Benign (2). Last evaluated 2018-06-14.

Allele frequency attached by ClinVar (database versions not stated): gnomAD exomes 0.43297; gnomAD 0.46717 and 0.47146; TOPMed 0.48064; 1000 Genomes Project 30x 0.56324; 1000 Genomes Project 0.57089.
gnomAD v4.1: 581,253 of 1,327,376 alleles (44%); highest among the groups gnomAD compares: East Asian, 84%; 132,721 homozygotes.

Submissions (2):

GeneDx
Classification: Benign. Last evaluated: 2018-06-14. Review status: criteria provided, single submitter. Criteria: GeneDx Variant Classification (06012015). Collection method: clinical testing. Allele origin: germline. Affected: yes.
Comment: This variant is considered likely benign or benign based on one or more of the following criteria: it is a conservative change, it occurs at a poorly conserved position in the protein, it is predicted to be benign by multiple in silico algorithms, and/or has population frequency not consistent with disease.

Breakthrough Genomics
Classification: Benign. Review status: criteria provided, single submitter. Criteria: ACMG Guidelines, 2015. Collection method: not provided. Allele origin: germline. Inheritance: Autosomal dominant inheritance. Affected: yes.